The following is an entry in ClinVar:

NC_000016.9:g.(70504330_70504873)_(70505256_70506443)dup

Gene: FCSK (fucose kinase; plus strand). Cytogenetic location: 16q22.1.
Variant type: Duplication.
Identifiers: ClinVar variation 3233942 (VCV003233942.2).

ClinVar aggregate classification (germline): Uncertain significance (1 of 4 stars; one submission).

Submission:

Women's Health and Genetics/Laboratory Corporation of America, LabCorp
Classification: Uncertain significance. Last evaluated: 2024-03-29. Review status: criteria provided, single submitter. Criteria: LabCorp Variant Classification Summary - May 2015. Collection method: clinical testing. Allele origin: germline.
Comment: Variant summary: The variant involves the duplication of exons 12-13 in the FCSK gene. A presumed nomenclature of c.(1068+1_1069-1)_(1341+1_1342-1)dup has been designated for the purposes of this classification. It is assumed to be a tandem duplication in direct orientation (PMIDs: 25640679, 30054569). This Copy Number Variant (CNV) is predicted to result in an in-frame duplication within this gene. The variant was absent in 123614 control chromosomes in the gnomAD database (Structural Variants v4.0 dataset). The available data on variant occurrences in the general population are insufficient to allow any conclusion about variant significance. To our knowledge, no occurrence of c.(1068+1_1069-1)_(1341+1_1342-1)dup in individuals affected with Congenital Disorder Of Glycosylation With Defective Fucosylation and no experimental evidence demonstrating its impact on protein function have been reported. No submitters have cited clinical-significance assessments for this variant to ClinVar. Based on the evidence outlined above, the variant was classified as uncertain significance.